The following is an entry in ClinVar:

NM_013275.6(ANKRD11):c.287T>C (p.Leu96Pro)

Gene: ANKRD11 (ankyrin repeat domain 11; minus strand). Cytogenetic location: 16q24.3.
Variant type: single nucleotide variant.
Coding change: c.287T>C on transcript NM_013275.6 (MANE Select); coding-DNA position 287, T replaced by C.
Protein change: p.Leu96Pro; replaces leucine 96 with proline.
Molecular consequence: missense variant. On other transcripts: non-coding transcript variant (1).
Genome position (GRCh38, 1-based): chr16:89,291,123, A>G on the plus strand (T>C on the coding strand, the complement: ANKRD11 is on the minus strand). VCF-style: chr16-89291123-A-G. GRCh37 (hg19) VCF-style: chr16-89357531-A-G.
Other names: c.287T>C, p.Leu96Pro (NM_001256182.2, NM_001256183.2); short protein forms L96P.
Identifiers: ClinVar variation 4982220 (VCV004982220.1).
Genomic context (GRCh38, chr16:89,291,123, plus strand): 5'-TGCTGGCGCTCGGAGAGGGGGTAGCCGGCTCGGATTCCAGACAGCCCCATGCCAAACAGC[A>G]GCCCGGCCTTCCGGGTGACAGGCTCCTTCTTAATCCTCTTCCGCTCAGGGCCCTGCTTCT-3'
Protein context (NP_037407.4, residues 86-106): KKEPVTRKAG[Leu96Pro]LFGMGLSGIR

ClinVar aggregate classification (germline): Uncertain significance (1 of 4 stars; one submission).

Conditions:
ANKRD11-related disorder. Also called: ANKRD11-related condition.

Submission:

PreventionGenetics, part of Exact Sciences
Classification: Uncertain significance for ANKRD11-related condition. Last evaluated: 2025-07-20. Review status: criteria provided, single submitter. Criteria: ACMG Guidelines, 2015. Collection method: clinical testing. Allele origin: germline.
Comment: The ANKRD11 c.287T>C variant is predicted to result in the amino acid substitution p.Leu96Pro. To our knowledge, this variant has not been reported in the literature or in a large population database (gnomAD), indicating this variant is rare. At this time, the clinical significance of this variant is uncertain due to the absence of conclusive functional and genetic evidence.